The following is an entry in ClinVar:

ClinVar aggregate classification (germline): Likely benign. Review status: criteria provided, multiple submitters, no conflicts (2 of 4 stars). 2 submissions from 2 submitters: Likely benign (2). Last evaluated 2026-04-02.

Conditions:
CDH23-related disorder. Also called: CDH23-related condition; CDH23-related disorders.

Allele frequency attached by ClinVar (database versions not stated): ExAC 0.00001; gnomAD exomes 0.00001 and 0.00004; TOPMed 0.00001; gnomAD 0.00002.
gnomAD v4.1: 22 of 1,613,930 alleles (0.0014%); highest among the groups gnomAD compares: Admixed American, 0.005%; no homozygotes.

Submissions (2):

PreventionGenetics, part of Exact Sciences
Classification: Likely benign for CDH23-related condition. Last evaluated: 2026-04-02. Review status: criteria provided, single submitter. Criteria: ACMG Guidelines, 2015. Collection method: clinical testing. Allele origin: germline.
Comment: This variant is classified as likely benign based on ACMG/AMP sequence variant interpretation guidelines (Richards et al. 2015 PMID: 25741868, with internal and published modifications).

Labcorp Genetics (formerly Invitae), Labcorp
Classification: Likely benign. Last evaluated: 2023-12-20. Review status: criteria provided, single submitter. Criteria: Invitae Variant Classification Sherloc (09022015). Collection method: clinical testing. Allele origin: germline.

NM_022124.6(CDH23):c.5583C>T (p.Ser1861=)

Gene: CDH23 (cadherin related 23; plus strand). Cytogenetic location: 10q22.1.
Variant type: single nucleotide variant.
Coding change: c.5583C>T on transcript NM_022124.6 (MANE Select); coding-DNA position 5583, C replaced by T.
Protein change: p.Ser1861=; no amino-acid change (serine 1861 retained).
Molecular consequence: synonymous variant.
Genome position (GRCh38, 1-based): chr10:71,784,971, C>T. VCF-style: chr10-71784971-C-T. GRCh37 (hg19) VCF-style: chr10-73544728-C-T.
Other names: c.5583C>T (NM_022124.5).
Identifiers: ClinVar variation 1360593 (VCV001360593.7), dbSNP rs769508743, ClinGen allele CA5545812.